The following is an entry in ClinVar:

ClinVar aggregate classification (germline): Uncertain significance. Review status: criteria provided, multiple submitters, no conflicts (2 of 4 stars). 4 submissions from 4 submitters: Uncertain significance (4). Last evaluated 2026-07-15.

Conditions:
TTN-related disorder. Also called: TTN-related disorders; TTN-related condition; TTN-related disease.
Cardiovascular phenotype. Identifiers: MedGen CN230736.

Allele frequency attached by ClinVar (database versions not stated): gnomAD 0.00005; TOPMed 0.00015.
gnomAD v4.1: 12 of 1,612,928 alleles (0.00074%); highest among the groups gnomAD compares: Admixed American, 0.015%; no homozygotes.

Submissions (4):

PreventionGenetics, part of Exact Sciences
Classification: Uncertain significance for TTN-related condition. Last evaluated: 2026-07-15. Review status: criteria provided, single submitter. Criteria: ACMG Guidelines, 2015. Collection method: clinical testing. Allele origin: germline.
Comment: The TTN c.74597C>G variant is predicted to result in the amino acid substitution p.Thr24866Arg. This variant has been reported in a cohort of patients with skeletal myopathies without further evidence for pathogenicity (Savarese et al. 2020. PubMed ID: 32039858). This variant has not been reported in a large population database (gnomAD), indicating this variant is rare. At this time, the clinical significance of this variant is uncertain due to the absence of conclusive functional and genetic evidence.

Revvity Omics, Revvity
Classification: Uncertain significance. Last evaluated: 2024-05-07. Review status: criteria provided, single submitter. Criteria: ACMG Guidelines, 2015. Collection method: clinical testing. Allele origin: germline.

New York Genome Center
Classification: Uncertain significance. Last evaluated: 2020-12-22. Review status: criteria provided, single submitter. Criteria: NYGC Assertion Criteria 2020. Collection method: clinical testing. Allele origin: germline. Observed: 1 variant allele.

Ambry Genetics
Classification: Uncertain significance for Cardiovascular phenotype. Last evaluated: 2020-01-24. Review status: criteria provided, single submitter. Criteria: Ambry Variant Classification Scheme 2023. Collection method: clinical testing. Allele origin: germline.
Comment: The p.T15801R variant (also known as c.47402C>G), located in coding exon 153 of the TTN gene, results from a C to G substitution at nucleotide position 47402. The threonine at codon 15801 is replaced by arginine, an amino acid with similar properties. This amino acid position is highly conserved in available vertebrate species. In addition, the in silico prediction for this alteration is inconclusive. Since supporting evidence is limited at this time, the clinical significance of this alteration remains unclear.

NM_001267550.2(TTN):c.74597C>G (p.Thr24866Arg)

Genes: TTN (titin; minus strand), TTN-AS1 (TTN antisense RNA 1; plus strand). Cytogenetic location: 2q31.2.
Variant type: single nucleotide variant.
Coding change: c.74597C>G on transcript NM_001267550.2 (MANE Select); coding-DNA position 74597, C replaced by G.
Protein change: p.Thr24866Arg; replaces threonine 24866 with arginine.
Molecular consequence: missense variant.
Genome position (GRCh38, 1-based): chr2:178,571,535, G>C on the plus strand (C>G on the coding strand, the complement: TTN is on the minus strand). VCF-style: chr2-178571535-G-C. GRCh37 (hg19) VCF-style: chr2-179436262-G-C.
Other names: c.69674C>G, p.Thr23225Arg (NM_001256850.1); c.47402C>G, p.Thr15801Arg (NM_003319.4); c.66893C>G, p.Thr22298Arg (NM_133378.4); c.47777C>G, p.Thr15926Arg (NM_133432.3); c.47978C>G, p.Thr15993Arg (NM_133437.4); short protein forms T15993R, T15801R, T24866R, T22298R, T15926R, T23225R.
Identifiers: ClinVar variation 1742770 (VCV001742770.7), dbSNP rs940915212, ClinGen allele CA60997096.